The following is an entry in ClinVar:

ClinVar aggregate classification (germline): Pathogenic (1 of 4 stars; one submission).

Submission:

Labcorp Genetics (formerly Invitae), Labcorp
Classification: Pathogenic. Last evaluated: 2022-09-19. Review status: criteria provided, single submitter. Criteria: Invitae Variant Classification Sherloc (09022015). Collection method: clinical testing. Allele origin: germline.
Comment: For these reasons, this variant has been classified as Pathogenic. This variant has not been reported in the literature in individuals affected with RINT1-related conditions. This variant is a gross deletion of the genomic region encompassing exon(s) 8-10 of the RINT1 gene. This deletion is out-of-frame, and is expected to create a premature termination codon and result in an absent or disrupted protein product. Loss-of-function variants in RINT1 are known to be pathogenic (PMID: 31204009).

Literature cited by the submitters: PubMed 31204009.

NC_000007.13:g.(?_105190492)_(105192164_?)del

Gene: RINT1 (RAD50 interactor 1; plus strand). Cytogenetic location: 7q22.3.
Variant type: Deletion.
Identifiers: ClinVar variation 1448493 (VCV001448493.7).